The following is an entry in ClinVar:

ClinVar aggregate classification (germline): Uncertain significance (1 of 4 stars; one submission).

Conditions:
Migraine, familial hemiplegic, 3. Identifiers: Orphanet 569, MedGen C1864987, MONDO:0012320, OMIM 609634.
Severe myoclonic epilepsy in infancy (DRVT). Also called: Severe Myoclonic Epilepsy in Infancy (SMEI); SEVERE MYOCLONIC EPILEPSY OF INFANCY; DEVELOPMENTAL AND EPILEPTIC ENCEPHALOPATHY 6A; Dravet syndrome; Epileptic encephalopathy, early infantile, 6 (Dravet syndrome). Identifiers: Orphanet 33069, MedGen C0751122, MONDO:0100135, OMIM 607208.
Generalized epilepsy with febrile seizures plus, type 2 (GEFSP2). Also called: GEFS+, TYPE 2. Identifiers: Orphanet 36387, MedGen C1858673, MONDO:0011461, OMIM 604403.
Developmental and epileptic encephalopathy 6B. Also called: Developmental and epileptic encephalopathy 6B, non-Dravet. Identifiers: MedGen C5543353, MONDO:0030268, OMIM 619317.

Submission:

Juno Genomics, Hangzhou Juno Genomics, Inc
Classification: Uncertain significance for Developmental and epileptic encephalopathy 6B; Severe myoclonic epilepsy in infancy; Generalized epilepsy with febrile seizures plus, type 2; Migraine, familial hemiplegic, 3. Review status: criteria provided, single submitter. Criteria: ACMG Guidelines, 2015. Collection method: clinical testing. Allele origin: germline. Affected: yes.
Comment: Absent from controls (or at extremely low frequency if recessive) in Genome Aggregation Database, Exome Sequencing Project, 1000 Genomes Project, or Exome Aggregation Consortium.;Multiple lines of computational evidence support a deleterious effect on the gene or gene product (conservation, evolutionary, splicing impact, etc).;Missense variant in a gene that has a low rate of benign missense variation and where missense variants are a common mechanism of disease.

NM_001165963.4(SCN1A):c.3670A>T (p.Ile1224Phe)

Genes: SCN1A (sodium voltage-gated channel alpha subunit 1; minus strand), LOC102724058 (uncharacterized LOC102724058; plus strand). Cytogenetic location: 2q24.3.
Variant type: single nucleotide variant.
Coding change: c.3670A>T on transcript NM_001165963.4 (MANE Select); coding-DNA position 3670, A replaced by T.
Protein change: p.Ile1224Phe; replaces isoleucine 1224 with phenylalanine.
Molecular consequence: missense variant. On other transcripts: non-coding transcript variant (1).
Genome position (GRCh38, 1-based): chr2:166,013,779, T>A on the plus strand (A>T on the coding strand, the complement: SCN1A is on the minus strand). VCF-style: chr2-166013779-T-A. GRCh37 (hg19) VCF-style: chr2-166870289-T-A.
Other names: c.3586A>T, p.Ile1196Phe (NM_001165964.3, NM_001353957.2, NM_001353958.2); c.3670A>T, p.Ile1224Phe (NM_001202435.3, NM_001353948.2); c.3637A>T, p.Ile1213Phe (NM_001353949.2, NM_001353950.2, NM_001353951.2 and 2 more transcripts); c.3634A>T, p.Ile1212Phe (NM_001353954.2, NM_001353955.2); c.3583A>T, p.Ile1195Phe (NM_001353960.2); c.1228A>T, p.Ile410Phe (NM_001353961.2); short protein forms I1195F, I1196F, I1212F, I1213F, I1224F, I410F.
Identifiers: ClinVar variation 3382780 (VCV003382780.2).
Genomic context (GRCh38, chr2:166,013,779, plus strand): 5'-ATCACCTTTTCTTAATCTCACTCACCAGAGCACCACTACTAAGGAGAATCATGAAAACAA[T>A]GAAGGTCTCAAACCAGTTATGTTCAACTATTCGGAAACACGTCCTTCTCAGGTTCCACCA-3'
Protein context (NP_001159435.1, residues 1214-1234): IVEHNWFETF[Ile1224Phe]VFMILLSSGA